The following is an entry in ClinVar:

ClinVar aggregate classification (germline): Likely benign. Review status: criteria provided, multiple submitters, no conflicts (2 of 4 stars). 3 submissions from 3 submitters: Likely benign (3). Last evaluated 2026-01-14.

Conditions:
Joubert syndrome. Also called: JOUBERT-BOLTSHAUSER SYNDROME; Familial aplasia of the vermis. Identifiers: Orphanet 475, MedGen C5979921, MONDO:0018772.
Nephronophthisis. Also called: Juvenile Nephronophthisis. Identifiers: Orphanet 655, MedGen C0687120, MONDO:0019005, HP:0000090.
Meckel-Gruber syndrome. Also called: GRUBER SYNDROME; DYSENCEPHALIA SPLANCHNOCYSTICA; Dysencephalia splachnocystica. Identifiers: Orphanet 564, MedGen C0265215, MONDO:0018921.
CEP290-related disorder. Also called: CEP290-related condition; CEP290-related disorders. Identifiers: MedGen CN239314.

Allele frequency attached by ClinVar (database versions not stated): gnomAD exomes 0.00001; ExAC 0.00002; TOPMed 0.00006; gnomAD 0.00009 and 0.00011.
gnomAD v4.1: 21 of 1,612,574 alleles (0.0013%); highest among the groups gnomAD compares: African/African-American, 0.027%; no homozygotes.

Submissions (3):

Labcorp Genetics (formerly Invitae), Labcorp
Classification: Likely benign for Joubert syndrome; Meckel-Gruber syndrome; Nephronophthisis. Last evaluated: 2026-01-14. Review status: criteria provided, single submitter. Criteria: Invitae Variant Classification Sherloc (09022015). Collection method: clinical testing. Allele origin: germline.

PreventionGenetics, part of Exact Sciences
Classification: Likely benign for CEP290-related condition. Last evaluated: 2024-10-03. Review status: criteria provided, single submitter. Criteria: ACMG Guidelines, 2015. Collection method: clinical testing. Allele origin: germline.
Comment: This variant is classified as likely benign based on ACMG/AMP sequence variant interpretation guidelines (Richards et al. 2015 PMID: 25741868, with internal and published modifications).

Blueprint Genetics
Classification: Likely benign. Last evaluated: 2021-01-20. Review status: criteria provided, single submitter. Criteria: ACMG Guidelines, 2015. Collection method: clinical testing. Allele origin: germline.

NM_025114.4(CEP290):c.3195G>A (p.Lys1065=)

Gene: CEP290 (centrosomal protein 290; minus strand). Cytogenetic location: 12q21.32.
Variant type: single nucleotide variant.
Coding change: c.3195G>A on transcript NM_025114.4 (MANE Select); coding-DNA position 3195, G replaced by A.
Protein change: p.Lys1065=; no amino-acid change (lysine 1065 retained).
Molecular consequence: synonymous variant.
Genome position (GRCh38, 1-based): chr12:88,093,884, C>T on the plus strand (G>A on the coding strand, the complement: CEP290 is on the minus strand). VCF-style: chr12-88093884-C-T. GRCh37 (hg19) VCF-style: chr12-88487661-C-T.
Other names: c.3195G>A (NM_025114.3).
Identifiers: ClinVar variation 1660973 (VCV001660973.10), dbSNP rs778596948, ClinGen allele CA6712200.